The following is an entry in ClinVar:

NM_005515.4(MNX1):c.518C>G (p.Ala173Gly)

Genes: MNX1 (motor neuron and pancreas homeobox 1; minus strand), LOC129999735 (ATAC-STARR-seq lymphoblastoid silent region 18857; plus strand). Cytogenetic location: 7q36.3.
Variant type: single nucleotide variant.
Coding change: c.518C>G on transcript NM_005515.4 (MANE Select); coding-DNA position 518, C replaced by G.
Protein change: p.Ala173Gly; replaces alanine 173 with glycine.
Molecular consequence: missense variant.
Genome position (GRCh38, 1-based): chr7:157,009,833, G>C on the plus strand (C>G on the coding strand, the complement: MNX1 is on the minus strand). VCF-style: chr7-157009833-G-C. GRCh37 (hg19) VCF-style: chr7-156802527-G-C.
Other names: short protein forms A173G.
Identifiers: ClinVar variation 4806242 (VCV004806242.1).

ClinVar aggregate classification (germline): Uncertain significance (1 of 4 stars; one submission).

Submission:

Labcorp Genetics (formerly Invitae), Labcorp
Classification: Uncertain significance. Last evaluated: 2025-06-22. Review status: criteria provided, single submitter. Criteria: Invitae Variant Classification Sherloc (09022015). Collection method: clinical testing. Allele origin: germline.
Comment: This sequence change replaces alanine, which is neutral and non-polar, with glycine, which is neutral and non-polar, at codon 173 of the MNX1 protein (p.Ala173Gly). This variant is not present in population databases (gnomAD no frequency). This variant has not been reported in the literature in individuals affected with MNX1-related conditions. Invitae Evidence Modeling of protein sequence and biophysical properties (such as structural, functional, and spatial information, amino acid conservation, physicochemical variation, residue mobility, and thermodynamic stability) indicates that this missense variant is not expected to disrupt MNX1 protein function with a negative predictive value of 80%. In summary, the available evidence is currently insufficient to determine the role of this variant in disease. Therefore, it has been classified as a Variant of Uncertain Significance.